The following is an entry in ClinVar:

NM_000051.4(ATM):c.1542T>C (p.Gly514=)

Gene: ATM (ATM serine/threonine kinase; plus strand). Cytogenetic location: 11q22.3.
Variant type: single nucleotide variant.
Coding change: c.1542T>C on transcript NM_000051.4 (MANE Select); coding-DNA position 1542, T replaced by C.
Protein change: p.Gly514=; no amino-acid change (glycine 514 retained).
Molecular consequence: synonymous variant.
Genome position (GRCh38, 1-based): chr11:108,251,007, T>C. VCF-style: chr11-108251007-T-C. GRCh37 (hg19) VCF-style: chr11-108121734-T-C.
Other names: c.1542T>C, p.Gly514= (NM_001351834.2).
Identifiers: ClinVar variation 414585 (VCV000414585.22), dbSNP rs572567674, ClinGen allele CA16612989.

ClinVar aggregate classification (germline): Benign/Likely benign. Review status: criteria provided, multiple submitters, no conflicts (2 of 4 stars). 6 submissions from 6 submitters: Benign (1); Likely benign (5). Last evaluated 2025-11-05.

Conditions:
Hereditary cancer-predisposing syndrome. Also called: Neoplastic Syndromes, Hereditary; Tumor predisposition; Hereditary Cancer Syndrome; Hereditary neoplastic syndrome. Identifiers: Orphanet 140162, MedGen C0027672, MeSH D009386, MONDO:0015356.
Ataxia-telangiectasia syndrome (AT). Also called: LOUIS-BAR SYNDROME; Ataxia-telangiectasia, complementation group E; ATAXIA-TELANGIECTASIA, COMPLEMENTATION GROUP A; ATAXIA-TELANGIECTASIA, FRESNO VARIANT; Ataxia-telangiectasia; Ataxia telangiectasia (A-T). Identifiers: Orphanet 100, MedGen C0004135, MONDO:0008840, OMIM 208900.
Familial cancer of breast. Also called: hereditary breast carcinoma; BREAST CANCER, FAMILIAL; Hereditary breast cancer. Identifiers: Orphanet 227535, MedGen C0346153, MONDO:0016419, OMIM 114480. Disease mechanism: loss of function.

Allele frequency attached by ClinVar (database versions not stated): gnomAD below 0.00001 and 0.00001; gnomAD exomes 0.00001.
gnomAD v4.1: 6 of 1,614,012 alleles (0.00037%); highest among the groups gnomAD compares: South Asian, 0.0011%; no homozygotes.

Submissions (6):

Labcorp Genetics (formerly Invitae), Labcorp
Classification: Likely benign for Ataxia-telangiectasia syndrome. Last evaluated: 2025-11-05. Review status: criteria provided, single submitter. Criteria: Invitae Variant Classification Sherloc (09022015). Collection method: clinical testing. Allele origin: germline.

Color Diagnostics, LLC DBA Color Health
Classification: Likely benign for Hereditary cancer-predisposing syndrome. Last evaluated: 2024-09-08. Review status: criteria provided, single submitter. Criteria: ACMG Guidelines, 2015. Collection method: clinical testing. Allele origin: germline.

Myriad Genetics, Inc.
Classification: Benign for Familial cancer of breast. Last evaluated: 2024-04-29. Review status: criteria provided, single submitter. Criteria: Myriad Autosomal Dominant, Autosomal Recessive and X-Linked Classification Criteria (2023). Collection method: clinical testing. Allele origin: unknown.
Comment: This variant is considered benign. This variant is a silent/synonymous amino acid change and it is not expected to impact splicing.

Blueprint Genetics
Classification: Likely benign. Last evaluated: 2022-11-17. Review status: criteria provided, single submitter. Criteria: ACMG Guidelines, 2015. Collection method: clinical testing. Allele origin: germline.

GeneDx
Classification: Likely benign. Last evaluated: 2021-02-25. Review status: criteria provided, single submitter. Criteria: GeneDx Variant Classification Process June 2021. Collection method: clinical testing. Allele origin: germline. Affected: yes.

Ambry Genetics
Classification: Likely benign for Hereditary cancer-predisposing syndrome. Last evaluated: 2016-10-19. Review status: criteria provided, single submitter. Criteria: Ambry Variant Classification Scheme 2023. Collection method: clinical testing. Allele origin: germline.